The following is an entry in ClinVar:

ClinVar aggregate classification (germline): Uncertain significance (1 of 4 stars; one submission).

Submission:

Labcorp Genetics (formerly Invitae), Labcorp
Classification: Uncertain significance. Last evaluated: 2023-01-17. Review status: criteria provided, single submitter. Criteria: Invitae Variant Classification Sherloc (09022015). Collection method: clinical testing. Allele origin: germline.
Comment: This sequence change affects an acceptor splice site in intron 15 of the VAV1 gene. It is expected to disrupt RNA splicing. Variants that disrupt the donor or acceptor splice site typically lead to a loss of protein function (PMID: 16199547), however the current clinical and genetic evidence is not sufficient to establish whether loss-of-function variants in VAV1 cause disease. In summary, the available evidence is currently insufficient to determine the role of this variant in disease. Therefore, it has been classified as a Variant of Uncertain Significance. Algorithms developed to predict the effect of sequence changes on RNA splicing suggest that this variant may disrupt the consensus splice site. This variant has not been reported in the literature in individuals affected with VAV1-related conditions. This variant is not present in population databases (gnomAD no frequency).

Literature cited by the submitters: PubMed 16199547.

NM_005428.4(VAV1):c.1509-1G>A

Gene: VAV1 (vav guanine nucleotide exchange factor 1; plus strand). Cytogenetic location: 19p13.3.
Variant type: single nucleotide variant.
Coding change: c.1509-1G>A on transcript NM_005428.4 (MANE Select); the canonical splice acceptor site of the intron before coding-DNA position 1509, G replaced by A.
Molecular consequence: splice acceptor variant.
Genome position (GRCh38, 1-based): chr19:6,833,183, G>A. VCF-style: chr19-6833183-G-A. GRCh37 (hg19) VCF-style: chr19-6833194-G-A.
Other names: c.1509-1G>A (NM_001258206.2); c.1413-1G>A (NM_001258207.2).
Identifiers: ClinVar variation 2032862 (VCV002032862.4), dbSNP rs2512379871, ClinGen allele CA403627167.
Genomic context (GRCh38, chr19:6,833,183, plus strand): 5'-CCATAAAAAGGAATAAAATACTGACCTTCTTTTTTTTTTTTTTTTAATTTTCCCCTGCCA[G>A]CTCCAACATCTATCCGGAGAATGCCACCGCCAACGGGCATGACTTCCAGATGTTCTCCTT-3'